The following is an entry in ClinVar:

NM_000455.5(STK11):c.405C>T (p.Gly135=)

Gene: STK11 (serine/threonine kinase 11; plus strand). Cytogenetic location: 19p13.3.
Variant type: single nucleotide variant.
Coding change: c.405C>T on transcript NM_000455.5 (MANE Select); coding-DNA position 405, C replaced by T.
Protein change: p.Gly135=; no amino-acid change (glycine 135 retained).
Molecular consequence: synonymous variant. On other transcripts: non-coding transcript variant (1).
Genome position (GRCh38, 1-based): chr19:1,219,354, C>T. VCF-style: chr19-1219354-C-T. GRCh37 (hg19) VCF-style: chr19-1219353-C-T.
Other names: c.405C>T, p.Gly135= (NM_001407255.1).
Identifiers: ClinVar variation 3903707 (VCV003903707.1).

ClinVar aggregate classification (germline): Benign (1 of 4 stars; one submission).

Conditions:
Peutz-Jeghers syndrome (PJS). Also called: POLYPOSIS, HAMARTOMATOUS INTESTINAL; POLYPS-AND-SPOTS SYNDROME; Peutz-Jeghers polyposis; Periorificial lentiginosis syndrome. Identifiers: Orphanet 2869, MedGen C0031269, MeSH D010580, MONDO:0008280, OMIM 175200.

Submission:

Myriad Genetics, Inc.
Classification: Benign for Peutz-Jeghers syndrome. Last evaluated: 2025-03-25. Review status: criteria provided, single submitter. Criteria: Myriad Autosomal Dominant, Autosomal Recessive and X-Linked Classification Criteria (2023). Collection method: clinical testing. Allele origin: unknown.
Comment: This variant is considered benign. This variant is a silent/synonymous amino acid change and it is not expected to impact splicing.